The following is an entry in ClinVar:

NM_017617.5(NOTCH1):c.1577A>G (p.Gln526Arg)

Gene: NOTCH1 (notch receptor 1; minus strand). Cytogenetic location: 9q34.3.
Variant type: single nucleotide variant.
Coding change: c.1577A>G on transcript NM_017617.5 (MANE Select); coding-DNA position 1577, A replaced by G.
Protein change: p.Gln526Arg; replaces glutamine 526 with arginine.
Molecular consequence: missense variant.
Genome position (GRCh38, 1-based): chr9:136,516,073, T>C on the plus strand (A>G on the coding strand, the complement: NOTCH1 is on the minus strand). VCF-style: chr9-136516073-T-C. GRCh37 (hg19) VCF-style: chr9-139410525-T-C.
Other names: short protein forms Q526R.
Identifiers: ClinVar variation 1718238 (VCV001718238.5), dbSNP rs2133365423, ClinGen allele CA375560960.

ClinVar aggregate classification (germline): Uncertain significance (1 of 4 stars; one submission).

Conditions:
Adams-Oliver syndrome 5 (AOS5). Identifiers: Orphanet 974, MedGen C4014970, MONDO:0014459, OMIM 616028.

Submission:

Labcorp Genetics (formerly Invitae), Labcorp
Classification: Uncertain significance for Adams-Oliver syndrome 5. Last evaluated: 2024-04-10. Review status: criteria provided, single submitter. Criteria: Invitae Variant Classification Sherloc (09022015). Collection method: clinical testing. Allele origin: germline.
Comment: This sequence change replaces glutamine, which is neutral and polar, with arginine, which is basic and polar, at codon 526 of the NOTCH1 protein (p.Gln526Arg). This variant is not present in population databases (gnomAD no frequency). This variant has not been reported in the literature in individuals affected with NOTCH1-related conditions. ClinVar contains an entry for this variant (Variation ID: 1718238). Advanced modeling of protein sequence and biophysical properties (such as structural, functional, and spatial information, amino acid conservation, physicochemical variation, residue mobility, and thermodynamic stability) performed at Invitae indicates that this missense variant is not expected to disrupt NOTCH1 protein function with a negative predictive value of 95%. In summary, the available evidence is currently insufficient to determine the role of this variant in disease. Therefore, it has been classified as a Variant of Uncertain Significance.